The following is an entry in ClinVar:

NM_030665.4(RAI1):c.1360C>T (p.Leu454Phe)

Gene: RAI1 (retinoic acid induced 1; plus strand). Cytogenetic location: 17p11.2.
Variant type: single nucleotide variant.
Coding change: c.1360C>T on transcript NM_030665.4 (MANE Select); coding-DNA position 1360, C replaced by T.
Protein change: p.Leu454Phe; replaces leucine 454 with phenylalanine.
Molecular consequence: missense variant.
Genome position (GRCh38, 1-based): chr17:17,794,308, C>T. VCF-style: chr17-17794308-C-T. GRCh37 (hg19) VCF-style: chr17-17697622-C-T.
Other names: short protein forms L454F.
Identifiers: ClinVar variation 2760530 (VCV002760530.3), dbSNP rs1211799917, ClinGen allele CA398547656.

ClinVar aggregate classification (germline): Uncertain significance (1 of 4 stars; one submission).

Allele frequency attached by ClinVar (database versions not stated): TOPMed below 0.00001; gnomAD exomes 0.00001.
gnomAD v4.1: 9 of 1,613,276 alleles (0.00056%); highest among the groups gnomAD compares: Non-Finnish European, 0.00076%; no homozygotes.

Submission:

Labcorp Genetics (formerly Invitae), Labcorp
Classification: Uncertain significance. Last evaluated: 2023-01-20. Review status: criteria provided, single submitter. Criteria: Invitae Variant Classification Sherloc (09022015). Collection method: clinical testing. Allele origin: germline.
Comment: In summary, the available evidence is currently insufficient to determine the role of this variant in disease. Therefore, it has been classified as a Variant of Uncertain Significance. Advanced modeling of protein sequence and biophysical properties (such as structural, functional, and spatial information, amino acid conservation, physicochemical variation, residue mobility, and thermodynamic stability) performed at Invitae indicates that this missense variant is expected to disrupt RAI1 protein function. This variant has not been reported in the literature in individuals affected with RAI1-related conditions. The frequency data for this variant in the population databases is considered unreliable, as metrics indicate poor data quality at this position in the gnomAD database. This sequence change replaces leucine, which is neutral and non-polar, with phenylalanine, which is neutral and non-polar, at codon 454 of the RAI1 protein (p.Leu454Phe).